The following is an entry in ClinVar:

NM_001130965.3(SUN1):c.2281C>T (p.Arg761Trp)

Gene: SUN1 (Sad1 and UNC84 domain containing 1; plus strand). Cytogenetic location: 7p22.3.
Variant type: single nucleotide variant.
Coding change: c.2281C>T on transcript NM_001130965.3 (MANE Select); coding-DNA position 2281, C replaced by T.
Protein change: p.Arg761Trp; replaces arginine 761 with tryptophan.
Molecular consequence: missense variant. On other transcripts: non-coding transcript variant (3).
Genome position (GRCh38, 1-based): chr7:873,254, C>T. VCF-style: chr7-873254-C-T. GRCh37 (hg19) VCF-style: chr7-912891-C-T.
Other names: c.1972C>T, p.Arg658Trp (NM_001171944.2); c.2281C>T, p.Arg761Trp (NM_001367633.1, NM_001367634.1); c.1930C>T, p.Arg644Trp (NM_001367635.1); c.2428C>T, p.Arg810Trp (NM_001367636.1); c.2389C>T, p.Arg797Trp (NM_001367638.1); c.1822C>T, p.Arg608Trp (NM_001367639.1); c.2461C>T, p.Arg821Trp (NM_001367640.1); c.2563C>T, p.Arg855Trp (NM_001367641.1); and 56 more; short protein forms R761W, R608W, R715W, R729W, R735W, R738W, R767W, R770W.
Identifiers: ClinVar variation 570814 (VCV000570814.9), dbSNP rs769875681, ClinGen allele CA4112556.
Genomic context (GRCh38, chr7:873,254, plus strand): 5'-TTTTTCCCACCTTGATTTCAGAAAAGACCCGACGACACAGCTTTCCAAATAGTGGAACTT[C>T]GGATTTTTTCTAACTGGGGCCATCCTGAGTATACCTGTCTGTATCGGTTCAGAGTTCATG-3'
Protein context (NP_001124437.1, residues 751-771): DDTAFQIVEL[Arg761Trp]IFSNWGHPEY

ClinVar aggregate classification (germline): Uncertain significance. Review status: criteria provided, multiple submitters, no conflicts (2 of 4 stars). 2 submissions from 2 submitters: Uncertain significance (2). Last evaluated 2025-06-29.

Conditions:
Emery-Dreifuss muscular dystrophy (EDMD). Also called: Scapuloperoneal syndrome, X-linked (formerly); Humeroperoneal neuromuscular disease, (formerly). Identifiers: Orphanet 261, MedGen C0410189, MONDO:0016830.

Allele frequency attached by ClinVar (database versions not stated): ExAC 0.00001; gnomAD 0.00001; gnomAD exomes 0.00001 and 0.00002; TOPMed 0.00004.
gnomAD v4.1: 17 of 1,614,090 alleles (0.0011%); highest among the groups gnomAD compares: Admixed American, 0.0083%; no homozygotes.

Submissions (2):

Labcorp Genetics (formerly Invitae), Labcorp
Classification: Uncertain significance for Emery-Dreifuss muscular dystrophy. Last evaluated: 2025-06-29. Review status: criteria provided, single submitter. Criteria: Invitae Variant Classification Sherloc (09022015). Collection method: clinical testing. Allele origin: germline.
Comment: This sequence change replaces arginine, which is basic and polar, with tryptophan, which is neutral and slightly polar, at codon 761 of the SUN1 protein (p.Arg761Trp). This variant is present in population databases (rs769875681, gnomAD 0.006%). This variant has not been reported in the literature in individuals affected with SUN1-related conditions. ClinVar contains an entry for this variant (Variation ID: 570814). An algorithm developed to predict the effect of missense changes on protein structure and function (PolyPhen-2) suggests that this variant is likely to be disruptive. Algorithms developed to predict the effect of sequence changes on RNA splicing suggest that this variant may disrupt the consensus splice site. In summary, the available evidence is currently insufficient to determine the role of this variant in disease. Therefore, it has been classified as a Variant of Uncertain Significance.

Ambry Genetics
Classification: Uncertain significance. Last evaluated: 2025-04-10. Review status: criteria provided, single submitter. Criteria: Ambry Variant Classification Scheme 2023. Collection method: clinical testing. Allele origin: germline.